The following is an entry in ClinVar:

NM_004304.5(ALK):c.3438A>T (p.Gln1146His)

Gene: ALK (ALK receptor tyrosine kinase; minus strand). Cytogenetic location: 2p23.2.
Variant type: single nucleotide variant.
Coding change: c.3438A>T on transcript NM_004304.5 (MANE Select); coding-DNA position 3438, A replaced by T.
Protein change: p.Gln1146His; replaces glutamine 1146 with histidine.
Molecular consequence: missense variant.
Genome position (GRCh38, 1-based): chr2:29,222,529, T>A on the plus strand (A>T on the coding strand, the complement: ALK is on the minus strand). VCF-style: chr2-29222529-T-A. GRCh37 (hg19) VCF-style: chr2-29445395-T-A.
Other names: c.234A>T, p.Gln78His (NM_001353765.2); short protein forms Q78H, Q1146H.
Identifiers: ClinVar variation 4715368 (VCV004715368.1).

ClinVar aggregate classification (germline): Uncertain significance (1 of 4 stars; one submission).

Conditions:
Neuroblastoma, susceptibility to, 3. Also called: ALK-Related Neuroblastic Tumor Susceptibility. Identifiers: Orphanet 635, MedGen C2751681, MONDO:0013083, OMIM 613014.

Submission:

Labcorp Genetics (formerly Invitae), Labcorp
Classification: Uncertain significance for Neuroblastoma, susceptibility to, 3. Last evaluated: 2025-03-18. Review status: criteria provided, single submitter. Criteria: Invitae Variant Classification Sherloc (09022015). Collection method: clinical testing. Allele origin: germline.
Comment: This sequence change replaces glutamine, which is neutral and polar, with histidine, which is basic and polar, at codon 1146 of the ALK protein (p.Gln1146His). This variant is not present in population databases (gnomAD no frequency). This variant has not been reported in the literature in individuals affected with ALK-related conditions. An algorithm developed to predict the effect of missense changes on protein structure and function (PolyPhen-2) suggests that this variant is likely to be disruptive. In summary, the available evidence is currently insufficient to determine the role of this variant in disease. Therefore, it has been classified as a Variant of Uncertain Significance.